The following is an entry in ClinVar:

NM_025137.4(SPG11):c.3976A>G (p.Ser1326Gly)

Gene: SPG11 (SPG11 vesicle trafficking associated, spatacsin; minus strand). Cytogenetic location: 15q21.1.
Variant type: single nucleotide variant.
Coding change: c.3976A>G on transcript NM_025137.4 (MANE Select); coding-DNA position 3976, A replaced by G.
Protein change: p.Ser1326Gly; replaces serine 1326 with glycine.
Molecular consequence: missense variant.
Genome position (GRCh38, 1-based): chr15:44,598,290, T>C on the plus strand (A>G on the coding strand, the complement: SPG11 is on the minus strand). VCF-style: chr15-44598290-T-C. GRCh37 (hg19) VCF-style: chr15-44890488-T-C.
Other names: c.3976A>G, p.Ser1326Gly (NM_001160227.2, NM_001411132.1); short protein forms S1326G.
Identifiers: ClinVar variation 2130557 (VCV002130557.4), dbSNP rs1220638237, ClinGen allele CA392229720.

ClinVar aggregate classification (germline): Uncertain significance (1 of 4 stars; one submission).

Conditions:
Hereditary spastic paraplegia 11. Also called: Spastic Paraplegia 11; Spastic paraplegia, mental retardation and thin corpus callosum; Nakamura Osame syndrome; Autosomal recessive hereditary spastic paraplegia, mental impairment, and thin corpus callosum; SPASTIC PARAPLEGIA, AUTOSOMAL RECESSIVE, COMPLICATED, WITH THIN CORPUS CALLOSUM; SPASTIC PARAPLEGIA, AUTOSOMAL RECESSIVE, WITH MENTAL IMPAIRMENT AND THIN CORPUS CALLOSUM. Identifiers: Orphanet 2822, MedGen C1858479, MONDO:0011445, OMIM 604360.

Allele frequency attached by ClinVar (database versions not stated): gnomAD 0.00001; TOPMed 0.00001.
gnomAD v4.1: 1 of 1,613,736 alleles (0.000062%); highest among the groups gnomAD compares: African/African-American, 0.0013%; no homozygotes.

Submission:

Labcorp Genetics (formerly Invitae), Labcorp
Classification: Uncertain significance for Hereditary spastic paraplegia 11. Last evaluated: 2022-04-25. Review status: criteria provided, single submitter. Criteria: Invitae Variant Classification Sherloc (09022015). Collection method: clinical testing. Allele origin: germline.
Comment: In summary, the available evidence is currently insufficient to determine the role of this variant in disease. Therefore, it has been classified as a Variant of Uncertain Significance. Algorithms developed to predict the effect of missense changes on protein structure and function output the following: SIFT: "Tolerated"; PolyPhen-2: "Benign"; Align-GVGD: "Class C0". The glycine amino acid residue is found in multiple mammalian species, which suggests that this missense change does not adversely affect protein function. This variant has not been reported in the literature in individuals affected with SPG11-related conditions. This variant is not present in population databases (gnomAD no frequency). This sequence change replaces serine, which is neutral and polar, with glycine, which is neutral and non-polar, at codon 1326 of the SPG11 protein (p.Ser1326Gly).